The following is an entry in ClinVar:

NM_001377265.1(MAPT):c.1704G>T (p.Pro568=)

Gene: MAPT (microtubule associated protein tau). Cytogenetic location: 17q21.31.
Variant type: single nucleotide variant.
Coding change: c.1704G>T on transcript NM_001377265.1 (MANE Select); coding-DNA position 1704, G replaced by T.
Protein change: p.Pro568=; no amino-acid change (proline 568 retained).
Molecular consequence: synonymous variant.
Genome position (GRCh38, 1-based): chr17:45,991,558, G>T. VCF-style: chr17-45991558-G-T. GRCh37 (hg19) VCF-style: chr17-44068924-G-T.
Other names: c.1479G>T, p.Pro493= (NM_001123066.4, NM_016835.5); c.441G>T, p.Pro147= (NM_001123067.4, NM_001203251.2, NM_001377267.1); c.528G>T, p.Pro176= (NM_001203252.2, NM_005910.6); c.1506G>T, p.Pro502= (NM_001377266.1); c.354G>T, p.Pro118= (NM_001377268.1, NM_016834.5, NM_016841.5); c.1479G>T (NM_001123066.3).
Identifiers: ClinVar variation 1630372 (VCV001630372.10), dbSNP rs1052551, ClinGen allele CA8617980.

ClinVar aggregate classification (germline): Likely benign. Review status: criteria provided, single submitter (1 of 4 stars). 2 submissions from 2 submitters: Likely benign (1). 1 of the submissions does not count toward it. Last evaluated 2022-07-05.

Conditions:
MAPT-related disorder. Also called: MAPT-Related Disorders; MAPT-related condition.
Frontotemporal dementia (FTD1). Also called: Frontotemporal lobe dementia (FLDEM); WILHELMSEN-LYNCH DISEASE; FRONTOTEMPORAL DEMENTIA WITH PARKINSONISM; FRONTOTEMPORAL LOBE DEMENTIA; Frontotemporal Dementia with Parkinsonism-17 (FTDP-17); Dementia, frontotemporal, with or without parkinsonism. Identifiers: Orphanet 282, MedGen C0338451, MONDO:0017276, OMIM 600274, HP:0002145.

gnomAD v4.1: 67 of 1,613,900 alleles (0.0042%); highest among the groups gnomAD compares: South Asian, 0.07%; no homozygotes.

Submissions (2):

Labcorp Genetics (formerly Invitae), Labcorp
Classification: Likely benign for Frontotemporal dementia. Last evaluated: 2022-07-05. Review status: criteria provided, single submitter. Criteria: Invitae Variant Classification Sherloc (09022015). Collection method: clinical testing. Allele origin: germline.

PreventionGenetics, part of Exact Sciences
Classification: Likely benign for MAPT-related condition. Last evaluated: 2023-12-13. Review status: no assertion criteria provided. Collection method: clinical testing. Allele origin: germline. Not counted in ClinVar's aggregate classification.
Comment: This variant is classified as likely benign based on ACMG/AMP sequence variant interpretation guidelines (Richards et al. 2015 PMID: 25741868, with internal and published modifications).